The following is an entry in ClinVar:

NM_181426.2(CCDC39):c.1833del (p.Ser612fs)

Gene: CCDC39 (coiled-coil domain 39 molecular ruler complex subunit; minus strand). Cytogenetic location: 3q26.33.
Variant type: Deletion.
Coding change: c.1833del on transcript NM_181426.2 (MANE Select); coding-DNA position 1833, one base deleted (G; older notation c.1833delG).
Protein change: p.Ser612fs; shifts the reading frame from serine 612.
Molecular consequence: frameshift variant.
Genome position (GRCh38, 1-based): chr3:180,642,034, C deleted on the plus strand (G on the coding strand, the reverse complement: CCDC39 is on the minus strand). VCF-style (leftmost placement, unchanged base first): chr3-180642033-AC-A. GRCh37 (hg19) VCF-style: chr3-180359821-AC-A.
Other names: c.1833del (NM_181426.1); short protein forms S612fs.
Identifiers: ClinVar variation 652628 (VCV000652628.9), dbSNP rs1256848235, ClinGen allele CA548506272.
Genomic context (GRCh38, chr3:180,642,033, plus strand): 5'-GTTTTAAAACTGAAAATTACCTTATGTTTTCCCGTTCTTGATCAACATATCTTATTTGTG[AC>A]GCAAGCATTGTTTTATGAACCTTGATTTCTTCAGTTCGCTCTTCCATTGCTGTGTATAAT-3'

ClinVar aggregate classification (germline): Pathogenic (1 of 4 stars; one submission).

Conditions:
Primary ciliary dyskinesia. Also called: Ciliary dyskinesia. Identifiers: Orphanet 244, MedGen C0008780, MONDO:0016575, HP:0012265.

Allele frequency attached by ClinVar (database versions not stated): gnomAD exomes below 0.00001.

Submission:

Labcorp Genetics (formerly Invitae), Labcorp
Classification: Pathogenic for Primary ciliary dyskinesia. Last evaluated: 2024-01-17. Review status: criteria provided, single submitter. Criteria: Invitae Variant Classification Sherloc (09022015). Collection method: clinical testing. Allele origin: germline.
Comment: This sequence change creates a premature translational stop signal (p.Ser612Hisfs*3) in the CCDC39 gene. It is expected to result in an absent or disrupted protein product. Loss-of-function variants in CCDC39 are known to be pathogenic (PMID: 21131972, 23255504). This variant is present in population databases (no rsID available, gnomAD 0.003%). This variant has not been reported in the literature in individuals affected with CCDC39-related conditions. ClinVar contains an entry for this variant (Variation ID: 652628). Algorithms developed to predict the effect of sequence changes on RNA splicing suggest that this variant may disrupt the consensus splice site. For these reasons, this variant has been classified as Pathogenic.

Literature cited by the submitters: PubMed 21131972; PubMed 23255504.